The following is an entry in ClinVar:

NM_015693.4(INTU):c.2099A>G (p.Tyr700Cys)

Gene: INTU (inturned planar cell polarity protein; plus strand). Cytogenetic location: 4q28.1.
Variant type: single nucleotide variant.
Coding change: c.2099A>G on transcript NM_015693.4 (MANE Select); coding-DNA position 2099, A replaced by G.
Protein change: p.Tyr700Cys; replaces tyrosine 700 with cysteine.
Molecular consequence: missense variant.
Genome position (GRCh38, 1-based): chr4:127,706,797, A>G. VCF-style: chr4-127706797-A-G. GRCh37 (hg19) VCF-style: chr4-128627952-A-G.
Other names: short protein forms Y700C.
Identifiers: ClinVar variation 2910774 (VCV002910774.3), dbSNP rs370459499, ClinGen allele CA3075247.

ClinVar aggregate classification (germline): Uncertain significance (1 of 4 stars; one submission).

Allele frequency attached by ClinVar (database versions not stated): ExAC 0.00002; ESP Exome Variant Server 0.00008; gnomAD exomes below 0.00001; gnomAD 0.00011; TOPMed 0.00013.
gnomAD v4.1: 25 of 1,614,102 alleles (0.0015%); highest among the groups gnomAD compares: African/African-American, 0.02%; no homozygotes.

Submission:

Labcorp Genetics (formerly Invitae), Labcorp
Classification: Uncertain significance. Last evaluated: 2025-04-22. Review status: criteria provided, single submitter. Criteria: Invitae Variant Classification Sherloc (09022015). Collection method: clinical testing. Allele origin: germline.
Comment: This sequence change replaces tyrosine, which is neutral and polar, with cysteine, which is neutral and slightly polar, at codon 700 of the INTU protein (p.Tyr700Cys). This variant is present in population databases (rs370459499, gnomAD 0.02%). This variant has not been reported in the literature in individuals affected with INTU-related conditions. ClinVar contains an entry for this variant (Variation ID: 2910774). Invitae Evidence Modeling of protein sequence and biophysical properties (such as structural, functional, and spatial information, amino acid conservation, physicochemical variation, residue mobility, and thermodynamic stability) indicates that this missense variant is not expected to disrupt INTU protein function with a negative predictive value of 80%. In summary, the available evidence is currently insufficient to determine the role of this variant in disease. Therefore, it has been classified as a Variant of Uncertain Significance.